The following is an entry in ClinVar:

NM_002427.4(MMP13):c.839C>T (p.Thr280Met)

Gene: MMP13 (matrix metallopeptidase 13; minus strand). Cytogenetic location: 11q22.2.
Variant type: single nucleotide variant.
Coding change: c.839C>T on transcript NM_002427.4 (MANE Select); coding-DNA position 839, C replaced by T.
Protein change: p.Thr280Met; replaces threonine 280 with methionine.
Molecular consequence: missense variant.
Genome position (GRCh38, 1-based): chr11:102,950,188, G>A on the plus strand (C>T on the coding strand, the complement: MMP13 is on the minus strand). VCF-style: chr11-102950188-G-A. GRCh37 (hg19) VCF-style: chr11-102820917-G-A.
Other names: c.839C>T (NM_002427.3); short protein forms T280M.
Identifiers: ClinVar variation 1395297 (VCV001395297.9), dbSNP rs782018679, ClinGen allele CA6251869.

ClinVar aggregate classification (germline): Uncertain significance. Review status: criteria provided, multiple submitters, no conflicts (2 of 4 stars). 2 submissions from 2 submitters: Uncertain significance (2). Last evaluated 2024-08-12.

Allele frequency attached by ClinVar (database versions not stated): gnomAD exomes 0.00001 and 0.00003; ExAC 0.00002; gnomAD 0.00003 and 0.00004; TOPMed 0.00004.

Submissions (2):

Labcorp Genetics (formerly Invitae), Labcorp
Classification: Uncertain significance. Last evaluated: 2024-08-12. Review status: criteria provided, single submitter. Criteria: Invitae Variant Classification Sherloc (09022015). Collection method: clinical testing. Allele origin: germline.
Comment: This sequence change replaces threonine, which is neutral and polar, with methionine, which is neutral and non-polar, at codon 280 of the MMP13 protein (p.Thr280Met). This variant is present in population databases (rs782018679, gnomAD 0.01%). This variant has not been reported in the literature in individuals affected with MMP13-related conditions. ClinVar contains an entry for this variant (Variation ID: 1395297). Advanced modeling of protein sequence and biophysical properties (such as structural, functional, and spatial information, amino acid conservation, physicochemical variation, residue mobility, and thermodynamic stability) performed at Invitae indicates that this missense variant is not expected to disrupt MMP13 protein function with a negative predictive value of 80%. In summary, the available evidence is currently insufficient to determine the role of this variant in disease. Therefore, it has been classified as a Variant of Uncertain Significance.

Ambry Genetics
Classification: Uncertain significance. Last evaluated: 2023-06-07. Review status: criteria provided, single submitter. Criteria: Ambry Variant Classification Scheme 2023. Collection method: clinical testing. Allele origin: germline.